The following is an entry in ClinVar:

NM_006514.4(SCN10A):c.3508-2dup

Gene: SCN10A (sodium voltage-gated channel alpha subunit 10; minus strand). Cytogenetic location: 3p22.2.
Variant type: Duplication.
Coding change: c.3508-2dup on transcript NM_006514.4 (MANE Select); the canonical splice acceptor site of the intron before coding-DNA position 3508, one base duplicated (A; older notation c.3508-2dupA).
Molecular consequence: splice acceptor variant.
Genome position (GRCh38, 1-based): chr3:38,718,828, T duplicated on the plus strand (A on the coding strand, the reverse complement: SCN10A is on the minus strand). VCF-style (leftmost placement, unchanged base first): chr3-38718827-C-CT. GRCh37 (hg19) VCF-style: chr3-38760318-C-CT.
Other names: c.3214-2dup (NM_001293307.2); c.3505-2dup (NM_001293306.2).
Identifiers: ClinVar variation 4160546 (VCV004160546.1).

ClinVar aggregate classification (germline): Uncertain significance (1 of 4 stars; one submission).

Conditions:
Cardiovascular phenotype. Identifiers: MedGen CN230736.

Submission:

Ambry Genetics
Classification: Uncertain significance for Cardiovascular phenotype. Last evaluated: 2025-07-22. Review status: criteria provided, single submitter. Criteria: Ambry Variant Classification Scheme 2023. Collection method: clinical testing. Allele origin: germline.
Comment: The c.3508-2dupA intronic variant is located 2 nucleotide(s) before coding exon 20 in the SCN10A gene. This variant results from a duplication of one nucleotide at position c.3508-2. This variant does not change the sequence of the canonical acceptor at this splice site. This nucleotide position is highly conserved in available vertebrate species. In silico splice site analysis predicts that this alteration will not have any significant effect on splicing. The evidence for this gene-disease relationship is limited; therefore, the clinical significance of this alteration is unclear.